The following is an entry in ClinVar:

NM_014043.4(CHMP2B):c.*1588C>T

Gene: CHMP2B (charged multivesicular body protein 2B; plus strand). Cytogenetic location: 3p11.2.
Variant type: single nucleotide variant.
Coding change: c.*1588C>T on transcript NM_014043.4 (MANE Select); 1588 bases downstream of the stop codon, C replaced by T.
Molecular consequence: 3 prime UTR variant.
Genome position (GRCh38, 1-based): chr3:87,255,410, C>T. VCF-style: chr3-87255410-C-T. GRCh37 (hg19) VCF-style: chr3-87304560-C-T.
Other names: c.*1588C>T (NM_001244644.2).
Identifiers: ClinVar variation 346825 (VCV000346825.5), dbSNP rs11426, ClinGen allele CA10619701.

ClinVar aggregate classification (germline): Benign (1 of 4 stars; one submission).

Conditions:
Frontotemporal dementia and/or amyotrophic lateral sclerosis 7 (FTDALS7). Also called: CHMP2B-Related Frontotemporal Dementia-Amyotrophic Lateral Sclerosis; CHMP2B-related frontotemporal dementia; AMYOTROPHIC LATERAL SCLEROSIS, CHMP2B-RELATED; Amyotrophic lateral sclerosis 17. Identifiers: Orphanet 275864, Orphanet 282, Orphanet 803, MedGen C1833296, MONDO:0010936, OMIM 600795.

Allele frequency attached by ClinVar (database versions not stated): gnomAD 0.00645 and 0.00691; TOPMed 0.00716; 1000 Genomes Project 0.00739; 1000 Genomes Project 30x 0.00812.
gnomAD v4.1: 972 of 152,366 alleles (0.64%); highest among the groups gnomAD compares: African/African-American, 2.2%; 9 homozygotes.

Submission:

Illumina Laboratory Services, Illumina
Classification: Benign for Frontotemporal dementia and/or amyotrophic lateral sclerosis 7. Last evaluated: 2018-01-12. Review status: criteria provided, single submitter. Criteria: ICSL Variant Classification Criteria 13 December 2019. Collection method: clinical testing. Allele origin: germline.
Comment: This variant was observed in the ICSL laboratory as part of a predisposition screen in an ostensibly healthy population. It had not been previously curated by ICSL or reported in the Human Gene Mutation Database (HGMD: prior to June 1st, 2018), and was therefore a candidate for classification through an automated scoring system. Utilizing variant allele frequency, disease prevalence and penetrance estimates, and inheritance mode, an automated score was calculated to assess if this variant is too frequent to cause the disease. Based on the score and internal cut-off values, a variant classified as benign is not then subjected to further curation. The score for this variant resulted in a classification of benign for this disease.